The following is an entry in ClinVar:

ClinVar aggregate classification (germline): Uncertain significance (1 of 4 stars; one submission).

gnomAD v4.1: 2 of 1,614,132 alleles (0.00012%); highest among the groups gnomAD compares: Non-Finnish European, 0.00017%; no homozygotes.

Submission:

Women's Health and Genetics/Laboratory Corporation of America, LabCorp
Classification: Uncertain significance. Last evaluated: 2025-03-21. Review status: criteria provided, single submitter. Criteria: LabCorp Variant Classification Summary - May 2015. Collection method: clinical testing. Allele origin: germline.
Comment: Variant summary: TAOK1 c.2691T>A alters a conserved nucleotide resulting in a synonymous change. Several computational tools predict a significant impact on normal splicing: Four predict the variant creates a cryptic 3' acceptor site. However, these predictions have yet to be confirmed by functional studies. The variant was absent in 251482 control chromosomes. The available data on variant occurrences in the general population are insufficient to allow any conclusion about variant significance. To our knowledge, no occurrence of c.2691T>A in individuals affected with Developmental Delay With Or Without Intellectual Impairment Or Behavioral Abnormalities and no experimental evidence demonstrating its impact on protein function have been reported. No submitters have cited clinical-significance assessments for this variant to ClinVar. Based on the evidence outlined above, the variant was classified as uncertain significance.

NM_020791.4(TAOK1):c.2691T>A (p.Pro897=)

Gene: TAOK1 (TAO kinase 1; plus strand). Cytogenetic location: 17q11.2.
Variant type: single nucleotide variant.
Coding change: c.2691T>A on transcript NM_020791.4 (MANE Select); coding-DNA position 2691, T replaced by A.
Protein change: p.Pro897=; no amino-acid change (proline 897 retained).
Molecular consequence: synonymous variant.
Genome position (GRCh38, 1-based): chr17:29,542,707, T>A. VCF-style: chr17-29542707-T-A. GRCh37 (hg19) VCF-style: chr17-27869725-T-A.
Other names: c.2247T>A, p.Pro749= (NM_025142.1).
Identifiers: ClinVar variation 3896049 (VCV003896049.1).